The following is an entry in ClinVar:

NM_182641.4(BPTF):c.1501G>A (p.Ala501Thr)

Gene: BPTF (bromodomain PHD finger transcription factor; plus strand). Cytogenetic location: 17q24.2.
Variant type: single nucleotide variant.
Coding change: c.1501G>A on transcript NM_182641.4 (MANE Select); coding-DNA position 1501, G replaced by A.
Protein change: p.Ala501Thr; replaces alanine 501 with threonine.
Molecular consequence: missense variant.
Genome position (GRCh38, 1-based): chr17:67,866,528, G>A. VCF-style: chr17-67866528-G-A. GRCh37 (hg19) VCF-style: chr17-65862644-G-A.
Other names: c.1501G>A, p.Ala501Thr (NM_001439139.1, NM_001439140.1, NM_001439141.1 and 4 more transcripts); short protein forms A501T.
Identifiers: ClinVar variation 4781756 (VCV004781756.1).

ClinVar aggregate classification (germline): Uncertain significance (1 of 4 stars; one submission).

gnomAD v4.1: 10 of 1,614,128 alleles (0.00062%); highest among the groups gnomAD compares: Middle Eastern, 0.017%; no homozygotes.

Submission:

Labcorp Genetics (formerly Invitae), Labcorp
Classification: Uncertain significance. Last evaluated: 2025-06-27. Review status: criteria provided, single submitter. Criteria: Invitae Variant Classification Sherloc (09022015). Collection method: clinical testing. Allele origin: germline.
Comment: This sequence change replaces alanine, which is neutral and non-polar, with threonine, which is neutral and polar, at codon 501 of the BPTF protein (p.Ala501Thr). This variant is present in population databases (rs767023939, gnomAD 0.0009%). This variant has not been reported in the literature in individuals affected with BPTF-related conditions. An algorithm developed to predict the effect of missense changes on protein structure and function (PolyPhen-2) suggests that this variant is likely to be tolerated. In summary, the available evidence is currently insufficient to determine the role of this variant in disease. Therefore, it has been classified as a Variant of Uncertain Significance.